The following is an entry in ClinVar:

NM_201548.5(CERKL):c.649A>T (p.Lys217Ter)

Gene: CERKL (CERK like autophagy regulator; minus strand). Cytogenetic location: 2q31.3.
Variant type: single nucleotide variant.
Coding change: c.649A>T on transcript NM_201548.5 (MANE Select); coding-DNA position 649, A replaced by T.
Protein change: p.Lys217Ter; replaces lysine 217 with a stop codon.
Molecular consequence: nonsense. On other transcripts: intron variant (2).
Genome position (GRCh38, 1-based): chr2:181,566,086, T>A on the plus strand (A>T on the coding strand, the complement: CERKL is on the minus strand). VCF-style: chr2-181566086-T-A. GRCh37 (hg19) VCF-style: chr2-182430813-T-A.
Other names: c.649A>T, p.Lys217Ter (NM_001030311.3); c.517A>T, p.Lys173Ter (NM_001160277.2); c.482-16378A>T (NM_001030312.3); c.613+7667A>T (NM_001030313.3); short protein forms K217*, K173*.
Identifiers: ClinVar variation 2812103 (VCV002812103.3), dbSNP rs754353693, ClinGen allele CA349743008.

ClinVar aggregate classification (germline): Pathogenic (1 of 4 stars; one submission).

Submission:

Labcorp Genetics (formerly Invitae), Labcorp
Classification: Pathogenic. Last evaluated: 2022-11-04. Review status: criteria provided, single submitter. Criteria: Invitae Variant Classification Sherloc (09022015). Collection method: clinical testing. Allele origin: germline.
Comment: For these reasons, this variant has been classified as Pathogenic. Algorithms developed to predict the effect of sequence changes on RNA splicing suggest that this variant may disrupt the consensus splice site. This variant has not been reported in the literature in individuals affected with CERKL-related conditions. This variant is not present in population databases (gnomAD no frequency). This sequence change creates a premature translational stop signal (p.Lys217*) in the CERKL gene. It is expected to result in an absent or disrupted protein product. Loss-of-function variants in CERKL are known to be pathogenic (PMID: 14681825, 23591405, 24043777).

Literature cited by the submitters: PubMed 14681825; PubMed 23591405; PubMed 24043777.